The following is an entry in ClinVar:

NM_004606.5(TAF1):c.4949T>G (p.Leu1650Trp)

Gene: TAF1 (TATA-box binding protein associated factor 1; plus strand). Cytogenetic location: Xq13.1.
Variant type: single nucleotide variant.
Coding change: c.4949T>G on transcript NM_004606.5 (MANE Select); coding-DNA position 4949, T replaced by G.
Protein change: p.Leu1650Trp; replaces leucine 1650 with tryptophan.
Molecular consequence: missense variant. On other transcripts: non-coding transcript variant (9).
Genome position (GRCh38, 1-based): chrX:71,458,251, T>G. VCF-style: chrX-71458251-T-G. GRCh37 (hg19) VCF-style: chrX-70678101-T-G.
Other names: c.4955T>G, p.Leu1652Trp (NM_001286074.2); c.4886T>G, p.Leu1629Trp (NM_138923.4); short protein forms L1629W, L1650W, L1652W.
Identifiers: ClinVar variation 3774283 (VCV003774283.1).

ClinVar aggregate classification (germline): Uncertain significance (1 of 4 stars; one submission).

Submission:

GeneDx
Classification: Uncertain significance. Last evaluated: 2024-09-23. Review status: criteria provided, single submitter. Criteria: GeneDx Variant Classification Process June 2021. Collection method: clinical testing. Allele origin: germline. Affected: yes.
Comment: Not observed at significant frequency in large population cohorts (gnomAD); In silico analysis indicates that this missense variant does not alter protein structure/function; Has not been previously published as pathogenic or benign to our knowledge